The following is an entry in ClinVar:

NM_018297.4(NGLY1):c.123C>T (p.Asn41=)

Genes: NGLY1 (N-glycanase 1; minus strand), OXSM (3-oxoacyl-ACP synthase, mitochondrial; plus strand). Cytogenetic location: 3p24.2.
Variant type: single nucleotide variant.
Coding change: c.123C>T on transcript NM_018297.4 (MANE Select); coding-DNA position 123, C replaced by T.
Protein change: p.Asn41=; no amino-acid change (asparagine 41 retained).
Molecular consequence: synonymous variant. On other transcripts: intron variant (1).
Genome position (GRCh38, 1-based): chr3:25,783,268, G>A on the plus strand (C>T on the coding strand, the complement: NGLY1 is on the minus strand). VCF-style: chr3-25783268-G-A. GRCh37 (hg19) VCF-style: chr3-25824759-G-A.
Other names: c.123C>T, p.Asn41= (NM_001145293.2, NM_001145295.2); c.6-4580C>T (NM_001145294.2).
Identifiers: ClinVar variation 474208 (VCV000474208.17), dbSNP rs142425326, ClinGen allele CA2289587.

ClinVar aggregate classification (germline): Benign/Likely benign. Review status: criteria provided, multiple submitters, no conflicts (2 of 4 stars). 4 submissions from 4 submitters: Benign (2); Likely benign (2). Last evaluated 2026-07-01.

Conditions:
Congenital disorder of deglycosylation (CDDG). Identifiers: MedGen C3808991, MONDO:0031376.

Allele frequency attached by ClinVar (database versions not stated): ESP Exome Variant Server 0.00015; gnomAD 0.00035 and 0.00054; gnomAD exomes 0.00036 and 0.00103; TOPMed 0.00114; ExAC 0.00116; 1000 Genomes Project 30x 0.00172; 1000 Genomes Project 0.00220.
gnomAD v4.1: 613 of 1,608,718 alleles (0.038%); highest among the groups gnomAD compares: East Asian, 1.2%; 5 homozygotes.

Submissions (4):

CeGaT Center for Human Genetics Tuebingen
Classification: Likely benign. Last evaluated: 2026-07-01. Review status: criteria provided, single submitter. Criteria: CeGaT Center For Human Genetics Tuebingen Variant Classification Criteria Version 2. Collection method: clinical testing. Allele origin: germline. Affected: yes. Observed: 1 variant allele.
Comment: NGLY1: BP4, BP7, BS1; OXSM: BS1

Labcorp Genetics (formerly Invitae), Labcorp
Classification: Benign for Congenital disorder of deglycosylation. Last evaluated: 2026-02-03. Review status: criteria provided, single submitter. Criteria: Invitae Variant Classification Sherloc (09022015). Collection method: clinical testing. Allele origin: germline.

Blueprint Genetics
Classification: Likely benign. Last evaluated: 2024-11-15. Review status: criteria provided, single submitter. Criteria: ACMG Guidelines, 2015. Collection method: clinical testing. Allele origin: germline.

GeneDx
Classification: Benign. Last evaluated: 2021-07-08. Review status: criteria provided, single submitter. Criteria: GeneDx Variant Classification Process June 2021. Collection method: clinical testing. Allele origin: germline. Affected: yes.